The following is an entry in ClinVar:

NM_025114.4(CEP290):c.5402T>G (p.Leu1801Trp)

Gene: CEP290 (centrosomal protein 290; minus strand). Cytogenetic location: 12q21.32.
Variant type: single nucleotide variant.
Coding change: c.5402T>G on transcript NM_025114.4 (MANE Select); coding-DNA position 5402, T replaced by G.
Protein change: p.Leu1801Trp; replaces leucine 1801 with tryptophan.
Molecular consequence: missense variant.
Genome position (GRCh38, 1-based): chr12:88,077,881, A>C on the plus strand (T>G on the coding strand, the complement: CEP290 is on the minus strand). VCF-style: chr12-88077881-A-C. GRCh37 (hg19) VCF-style: chr12-88471658-A-C.
Other names: short protein forms L1801W.
Identifiers: ClinVar variation 3345356 (VCV003345356.1).

ClinVar aggregate classification (germline): Uncertain significance (0 of 4 stars; one submission).

Conditions:
CEP290-related disorder. Also called: CEP290-related condition; CEP290-related disorders. Identifiers: MedGen CN239314.

Submission:

PreventionGenetics, part of Exact Sciences
Classification: Uncertain significance for CEP290-related condition. Last evaluated: 2024-08-05. Review status: no assertion criteria provided. Collection method: clinical testing. Allele origin: germline.
Comment: The CEP290 c.5402T>G variant is predicted to result in the amino acid substitution p.Leu1801Trp. To our knowledge, this variant has not been reported in the literature or in a large population database, indicating this variant is rare. At this time, the clinical significance of this variant is uncertain due to the absence of conclusive functional and genetic evidence.